The following is an entry in ClinVar:

ClinVar aggregate classification (germline): Likely benign. Review status: criteria provided, single submitter (1 of 4 stars). 2 submissions from 2 submitters: Likely benign (1). 1 of the submissions does not count toward it. Last evaluated 2025-07-01.

Conditions:
SMARCC2-related disorder. Also called: SMARCC2-related condition.

Allele frequency attached by ClinVar (database versions not stated): ESP Exome Variant Server 0.00008; gnomAD 0.00010; gnomAD exomes 0.00023; ExAC 0.00033; 1000 Genomes Project 30x 0.00141; TOPMed 0.00005; 1000 Genomes Project 0.00160.
gnomAD v4.1: 347 of 1,614,234 alleles (0.021%); highest among the groups gnomAD compares: South Asian, 0.25%; 1 homozygote.

Submissions (2):

CeGaT Center for Human Genetics Tuebingen
Classification: Likely benign. Last evaluated: 2025-07-01. Review status: criteria provided, single submitter. Criteria: CeGaT Center For Human Genetics Tuebingen Variant Classification Criteria Version 2. Collection method: clinical testing. Allele origin: germline. Affected: yes. Observed: 2 variant alleles.
Comment: SMARCC2: BP4, BS1

PreventionGenetics, part of Exact Sciences
Classification: Likely benign for SMARCC2-related condition. Last evaluated: 2019-08-01. Review status: no assertion criteria provided. Collection method: clinical testing. Allele origin: germline. Not counted in ClinVar's aggregate classification.
Comment: This variant is classified as likely benign based on ACMG/AMP sequence variant interpretation guidelines (Richards et al. 2015 PMID: 25741868, with internal and published modifications).

NM_001330288.2(SMARCC2):c.2327C>T (p.Ser776Phe)

Gene: SMARCC2 (SWI/SNF related BAF chromatin remodeling complex subunit C2; minus strand). Cytogenetic location: 12q13.2.
Variant type: single nucleotide variant.
Coding change: c.2327C>T on transcript NM_001330288.2 (MANE Select); coding-DNA position 2327, C replaced by T.
Protein change: p.Ser776Phe; replaces serine 776 with phenylalanine.
Molecular consequence: missense variant.
Genome position (GRCh38, 1-based): chr12:56,171,291, G>A on the plus strand (C>T on the coding strand, the complement: SMARCC2 is on the minus strand). VCF-style: chr12-56171291-G-A. GRCh37 (hg19) VCF-style: chr12-56565075-G-A.
Other names: c.2327C>T, p.Ser776Phe (NM_001130420.3, NM_139067.4); c.2234C>T, p.Ser745Phe (NM_003075.5); short protein forms S745F, S776F.
Identifiers: ClinVar variation 3035861 (VCV003035861.16), dbSNP rs187335194, ClinGen allele CA6625839.